The following is an entry in ClinVar:

NM_000551.4(VHL):c.85G>A (p.Gly29Ser)

Gene: VHL (von Hippel-Lindau tumor suppressor; plus strand). Cytogenetic location: 3p25.3.
Variant type: single nucleotide variant.
Coding change: c.85G>A on transcript NM_000551.4 (MANE Select); coding-DNA position 85, G replaced by A.
Protein change: p.Gly29Ser; replaces glycine 29 with serine.
Molecular consequence: missense variant. On other transcripts: non-coding transcript variant (1).
Genome position (GRCh38, 1-based): chr3:10,141,932, G>A. VCF-style: chr3-10141932-G-A. GRCh37 (hg19) VCF-style: chr3-10183616-G-A.
Other names: c.85G>A, p.Gly29Ser (NM_001354723.2, NM_198156.3); short protein forms G29S.
Identifiers: ClinVar variation 2451976 (VCV002451976.5), dbSNP rs1277221408, ClinGen allele CA351747529.

ClinVar aggregate classification (germline): Uncertain significance. Review status: criteria provided, multiple submitters, no conflicts (2 of 4 stars). 2 submissions from 2 submitters: Uncertain significance (2). Last evaluated 2023-02-10.

Conditions:
Hereditary cancer-predisposing syndrome. Also called: Hereditary neoplastic syndrome; Tumor predisposition; Neoplastic Syndromes, Hereditary; Hereditary Cancer Syndrome. Identifiers: Orphanet 140162, MedGen C0027672, MeSH D009386, MONDO:0015356.
Chuvash polycythemia. Also called: POLYCYTHEMIA, VHL-DEPENDENT. Identifiers: Orphanet 238557, MedGen C1837915, MONDO:0009892, OMIM 263400.
Von Hippel-Lindau syndrome (VHLS). Also called: VHL syndrome; Von Hippel-Lindau; von Hippel–Lindau syndrome. Identifiers: Orphanet 892, MedGen C0019562, MONDO:0008667, OMIM 193300. Disease mechanism: loss of function.

gnomAD v4.1: 1 of 1,540,064 alleles (0.000065%); highest among the groups gnomAD compares: African/African-American, 0.0014%; no homozygotes.

Submissions (2):

Ambry Genetics
Classification: Uncertain significance for Hereditary cancer-predisposing syndrome. Last evaluated: 2023-02-10. Review status: criteria provided, single submitter. Criteria: Ambry Variant Classification Scheme 2023. Collection method: clinical testing. Allele origin: germline.
Comment: The p.G29S variant (also known as c.85G>A), located in coding exon 1 of the VHL gene, results from a G to A substitution at nucleotide position 85. The glycine at codon 29 is replaced by serine, an amino acid with similar properties. This amino acid position is well conserved in available vertebrate species. In addition, this alteration is predicted to be tolerated by in silico analysis. Since supporting evidence is limited at this time, the clinical significance of this alteration remains unclear.

Labcorp Genetics (formerly Invitae), Labcorp
Classification: Uncertain significance for Von Hippel-Lindau syndrome; Chuvash polycythemia. Last evaluated: 2022-11-14. Review status: criteria provided, single submitter. Criteria: Invitae Variant Classification Sherloc (09022015). Collection method: clinical testing. Allele origin: germline.
Comment: This sequence change replaces glycine, which is neutral and non-polar, with serine, which is neutral and polar, at codon 29 of the VHL protein (p.Gly29Ser). The frequency data for this variant in the population databases is considered unreliable, as metrics indicate poor data quality at this position in the gnomAD database. This variant has not been reported in the literature in individuals affected with VHL-related conditions. Advanced modeling of protein sequence and biophysical properties (such as structural, functional, and spatial information, amino acid conservation, physicochemical variation, residue mobility, and thermodynamic stability) performed at Invitae indicates that this missense variant is not expected to disrupt VHL protein function. In summary, the available evidence is currently insufficient to determine the role of this variant in disease. Therefore, it has been classified as a Variant of Uncertain Significance.